The following is an entry in ClinVar:

NM_001242896.3(DEPDC5):c.4014C>G (p.Ser1338Arg)

Gene: DEPDC5 (DEP domain containing 5, GATOR1 subcomplex subunit; plus strand). Cytogenetic location: 22q12.3.
Variant type: single nucleotide variant.
Coding change: c.4014C>G on transcript NM_001242896.3 (MANE Select); coding-DNA position 4014, C replaced by G.
Protein change: p.Ser1338Arg; replaces serine 1338 with arginine.
Molecular consequence: missense variant. On other transcripts: non-coding transcript variant (5).
Genome position (GRCh38, 1-based): chr22:31,879,733, C>G. VCF-style: chr22-31879733-C-G. GRCh37 (hg19) VCF-style: chr22-32275719-C-G.
Other names: c.3987C>G, p.Ser1329Arg (NM_001136029.4); c.3714C>G, p.Ser1238Arg (NM_001242897.2); c.3948C>G, p.Ser1316Arg (NM_001363852.2, NM_001364320.2); c.3780C>G, p.Ser1260Arg (NM_001363854.2, NM_001364319.2); c.4014C>G, p.Ser1338Arg (NM_001364318.2); c.3930C>G, p.Ser1310Arg (NM_001369901.1, NM_001369902.1); c.3921C>G, p.Ser1307Arg (NM_001369903.1, NM_014662.6); short protein forms S1338R, S1238R, S1307R, S1310R, S1260R, S1316R, S1329R.
Identifiers: ClinVar variation 949346 (VCV000949346.9), dbSNP rs1384860628, ClinGen allele CA411282947.
Genomic context (GRCh38, chr22:31,879,733, plus strand): 5'-CCGGCCAGCCTCCTATGCAAGTAGGCACAGCTCCTTTAGCCGAAGTTTTGGAGGACGGAG[C>G]CAGGCGGCAGCACTTTTAGGTACATGCTCAACCCAGACAAGGTCTGAGGGTGTGCCAGTG-3'
Protein context (NP_001229825.1, residues 1328-1348): SSFSRSFGGR[Ser1338Arg]QAAALLAATV

ClinVar aggregate classification (germline): Uncertain significance (1 of 4 stars; one submission).

Conditions:
Familial focal epilepsy with variable foci (FPEVF). Identifiers: Orphanet 98820, MedGen C1858477, MONDO:0020310.

Allele frequency attached by ClinVar (database versions not stated): gnomAD exomes below 0.00001; gnomAD 0.00001; TOPMed 0.00002.
gnomAD v4.1: 3 of 1,613,758 alleles (0.00019%); highest among the groups gnomAD compares: African/African-American, 0.004%; no homozygotes.

Submission:

Labcorp Genetics (formerly Invitae), Labcorp
Classification: Uncertain significance for Familial focal epilepsy with variable foci. Last evaluated: 2025-11-05. Review status: criteria provided, single submitter. Criteria: Invitae Variant Classification Sherloc (09022015). Collection method: clinical testing. Allele origin: germline.
Comment: This sequence change replaces serine, which is neutral and polar, with arginine, which is basic and polar, at codon 1338 of the DEPDC5 protein (p.Ser1338Arg). This variant is present in population databases (no rsID available, gnomAD 0.01%). This variant has not been reported in the literature in individuals affected with DEPDC5-related conditions. ClinVar contains an entry for this variant (Variation ID: 949346). Experimental studies and prediction algorithms are not available or were not evaluated, and the functional significance of this variant is currently unknown. In summary, the available evidence is currently insufficient to determine the role of this variant in disease. Therefore, it has been classified as a Variant of Uncertain Significance.